The following is an entry in ClinVar:

ClinVar aggregate classification (germline): Uncertain significance (1 of 4 stars; one submission).

Conditions:
Autosomal recessive limb-girdle muscular dystrophy type 2J (LGMDR10). Also called: Limb-girdle muscular dystrophy, type 2J; MUSCULAR DYSTROPHY, LIMB-GIRDLE, AUTOSOMAL RECESSIVE 10. Identifiers: Orphanet 140922, MedGen C1837342, MONDO:0012127, OMIM 608807.
Dilated cardiomyopathy 1G (CMD1G). Identifiers: Orphanet 154, MedGen C1858763, MONDO:0011400, OMIM 604145.

Allele frequency attached by ClinVar (database versions not stated): ExAC 0.00001; gnomAD exomes 0.00001.
gnomAD v4.1: 3 of 1,608,588 alleles (0.00019%); highest among the groups gnomAD compares: South Asian, 0.0033%; no homozygotes.

Submission:

Labcorp Genetics (formerly Invitae), Labcorp
Classification: Uncertain significance for Dilated cardiomyopathy 1G; Autosomal recessive limb-girdle muscular dystrophy type 2J. Last evaluated: 2017-11-27. Review status: criteria provided, single submitter. Criteria: Invitae Variant Classification Sherloc (09022015). Collection method: clinical testing. Allele origin: germline.
Comment: In summary, this variant is a rare missense change with unknown impact on protein function. Missense variants in this region of the TTN gene are typically not causative for cardiac disease, but may be relevant for neuromuscular disorders. However, the available evidence is currently insufficient to determine this variant’s role in disease. Therefore, it has been classified as a Variant of Uncertain Significance. This variant identified in the TTN gene is located in the A band of the resulting protein (PMID: 25589632). Algorithms developed to predict the effect of missense changes on protein structure and function are unavailable for the TTN gene. Algorithms developed to predict the effect of sequence changes on RNA splicing suggest that this variant may create or strengthen a splice site, but this prediction has not been confirmed by published transcriptional studies. This variant has not been reported in the literature in individuals with TTN-related disease. This variant is present in population databases (rs754379972, ExAC 0.008%). This sequence change replaces lysine with arginine at codon 31704 of the TTN protein (p.Lys31704Arg). The lysine residue is highly conserved and there is a small physicochemical difference between lysine and arginine.

Literature cited by the submitters: PubMed 25589632.

NM_001267550.2(TTN):c.95111A>G (p.Lys31704Arg)

Genes: TTN-AS1 (TTN antisense RNA 1; plus strand), TTN (titin; minus strand). Cytogenetic location: 2q31.2.
Variant type: single nucleotide variant.
Coding change: c.95111A>G on transcript NM_001267550.2 (MANE Select); coding-DNA position 95111, A replaced by G.
Protein change: p.Lys31704Arg; replaces lysine 31704 with arginine.
Molecular consequence: missense variant.
Genome position (GRCh38, 1-based): chr2:178,546,220, T>C on the plus strand (A>G on the coding strand, the complement: TTN is on the minus strand). VCF-style: chr2-178546220-T-C. GRCh37 (hg19) VCF-style: chr2-179410947-T-C.
Other names: c.90188A>G, p.Lys30063Arg (NM_001256850.1); c.67916A>G, p.Lys22639Arg (NM_003319.4); c.87407A>G, p.Lys29136Arg (NM_133378.4); c.68291A>G, p.Lys22764Arg (NM_133432.3); c.68492A>G, p.Lys22831Arg (NM_133437.4); short protein forms K31704R, K22639R, K30063R, K22764R, K29136R, K22831R.
Identifiers: ClinVar variation 535048 (VCV000535048.7), dbSNP rs754379972, ClinGen allele CA1987017.